The following is an entry in ClinVar:

ClinVar aggregate classification (germline): Likely benign. Review status: criteria provided, multiple submitters, no conflicts (2 of 4 stars). 3 submissions from 3 submitters: Likely benign (2). 1 of the submissions does not count toward it. Last evaluated 2024-10-07.

Conditions:
ASXL2-related disorder. Also called: ASXL2-related condition.

Allele frequency attached by ClinVar (database versions not stated): ExAC 0.00036; gnomAD 0.00038 and 0.00041; TOPMed 0.00038; ESP Exome Variant Server 0.00040; gnomAD exomes 0.00043.
gnomAD v4.1: 716 of 1,613,876 alleles (0.044%); highest among the groups gnomAD compares: Non-Finnish European, 0.052%; no homozygotes.

Submissions (3):

Labcorp Genetics (formerly Invitae), Labcorp
Classification: Likely benign. Last evaluated: 2024-10-07. Review status: criteria provided, single submitter. Criteria: Invitae Variant Classification Sherloc (09022015). Collection method: clinical testing. Allele origin: germline.

CeGaT Center for Human Genetics Tuebingen
Classification: Likely benign. Last evaluated: 2023-12-01. Review status: criteria provided, single submitter. Criteria: CeGaT Center For Human Genetics Tuebingen Variant Classification Criteria Version 2. Collection method: clinical testing. Allele origin: germline. Affected: yes. Observed: 3 variant alleles.
Comment: ASXL2: BP4, BP7

PreventionGenetics, part of Exact Sciences
Classification: Likely benign for ASXL2-related condition. Last evaluated: 2023-12-14. Review status: no assertion criteria provided. Collection method: clinical testing. Allele origin: germline. Not counted in ClinVar's aggregate classification.
Comment: This variant is classified as likely benign based on ACMG/AMP sequence variant interpretation guidelines (Richards et al. 2015 PMID: 25741868, with internal and published modifications).

NM_018263.6(ASXL2):c.4164C>T (p.Ser1388=)

Gene: ASXL2 (ASXL transcriptional regulator 2; minus strand). Cytogenetic location: 2p23.3.
Variant type: single nucleotide variant.
Coding change: c.4164C>T on transcript NM_018263.6 (MANE Select); coding-DNA position 4164, C replaced by T.
Protein change: p.Ser1388=; no amino-acid change (serine 1388 retained).
Molecular consequence: synonymous variant.
Genome position (GRCh38, 1-based): chr2:25,742,173, G>A on the plus strand (C>T on the coding strand, the complement: ASXL2 is on the minus strand). VCF-style: chr2-25742173-G-A. GRCh37 (hg19) VCF-style: chr2-25965042-G-A.
Other names: c.3990C>T, p.Ser1330= (NM_001369346.1); c.3384C>T, p.Ser1128= (NM_001369347.1).
Identifiers: ClinVar variation 736445 (VCV000736445.34), dbSNP rs371375230, ClinGen allele CA1557351.